The following is an entry in ClinVar:

ClinVar aggregate classification (germline): Uncertain significance (1 of 4 stars; one submission).

Conditions:
Autosomal dominant limb-girdle muscular dystrophy type 1F (LGMDD2). Also called: Limb-girdle muscular dystrophy, type 1F; MUSCULAR DYSTROPHY, LIMB-GIRDLE, AUTOSOMAL DOMINANT 2. Identifiers: Orphanet 55595, MedGen C1842062, MONDO:0012034, OMIM 608423.

Allele frequency attached by ClinVar (database versions not stated): gnomAD exomes 0.00001; ExAC 0.00002; gnomAD 0.00005; TOPMed 0.00005; ESP Exome Variant Server 0.00015.
gnomAD v4.1: 18 of 1,613,652 alleles (0.0011%); highest among the groups gnomAD compares: Admixed American, 0.012%; no homozygotes.

Submission:

Labcorp Genetics (formerly Invitae), Labcorp
Classification: Uncertain significance for Autosomal dominant limb-girdle muscular dystrophy type 1F. Last evaluated: 2023-07-21. Review status: criteria provided, single submitter. Criteria: Invitae Variant Classification Sherloc (09022015). Collection method: clinical testing. Allele origin: germline.
Comment: This sequence change replaces arginine, which is basic and polar, with glutamine, which is neutral and polar, at codon 718 of the TNPO3 protein (p.Arg718Gln). This variant is present in population databases (rs370591499, gnomAD 0.01%). This variant has not been reported in the literature in individuals affected with TNPO3-related conditions. Advanced modeling of protein sequence and biophysical properties (such as structural, functional, and spatial information, amino acid conservation, physicochemical variation, residue mobility, and thermodynamic stability) performed at Invitae indicates that this missense variant is not expected to disrupt TNPO3 protein function. In summary, the available evidence is currently insufficient to determine the role of this variant in disease. Therefore, it has been classified as a Variant of Uncertain Significance.

NM_012470.4(TNPO3):c.2153G>A (p.Arg718Gln)

Gene: TNPO3 (transportin 3; minus strand). Cytogenetic location: 7q32.1.
Variant type: single nucleotide variant.
Coding change: c.2153G>A on transcript NM_012470.4 (MANE Select); coding-DNA position 2153, G replaced by A.
Protein change: p.Arg718Gln; replaces arginine 718 with glutamine.
Molecular consequence: missense variant. On other transcripts: non-coding transcript variant (18).
Genome position (GRCh38, 1-based): chr7:128,975,844, C>T on the plus strand (G>A on the coding strand, the complement: TNPO3 is on the minus strand). VCF-style: chr7-128975844-C-T. GRCh37 (hg19) VCF-style: chr7-128615898-C-T.
Other names: c.1961G>A, p.Arg654Gln (NM_001191028.3, NM_001382223.1); c.2255G>A, p.Arg752Gln (NM_001382216.1); c.2234G>A, p.Arg745Gln (NM_001382217.1); c.2153G>A, p.Arg718Gln (NM_001382218.1); c.2045G>A, p.Arg682Gln (NM_001382219.1); c.2012G>A, p.Arg671Gln (NM_001382220.1); c.2009G>A, p.Arg670Gln (NM_001382221.1); c.2006G>A, p.Arg669Gln (NM_001382222.1); short protein forms R669Q, R670Q, R752Q, R654Q, R745Q, R671Q, R682Q, R718Q.
Identifiers: ClinVar variation 2855427 (VCV002855427.3), dbSNP rs370591499, ClinGen allele CA4477960.